The following is an entry in ClinVar:

ClinVar aggregate classification (germline): Pathogenic (1 of 4 stars; one submission).

Submission:

Labcorp Genetics (formerly Invitae), Labcorp
Classification: Pathogenic. Last evaluated: 2023-01-25. Review status: criteria provided, single submitter. Criteria: Invitae Variant Classification Sherloc (09022015). Collection method: clinical testing. Allele origin: germline.
Comment: For these reasons, this variant has been classified as Pathogenic. ClinVar contains an entry for this variant (Variation ID: 1408187). This variant has not been reported in the literature in individuals affected with FREM2-related conditions. This variant is not present in population databases (gnomAD no frequency). This sequence change creates a premature translational stop signal (p.Met2130Aspfs*14) in the FREM2 gene. It is expected to result in an absent or disrupted protein product. Loss-of-function variants in FREM2 are known to be pathogenic (PMID: 18203166, 26552811).

Literature cited by the submitters: PubMed 18203166; PubMed 26552811.

NM_207361.6(FREM2):c.6386dup (p.Met2130fs)

Gene: FREM2 (FRAS1 related extracellular matrix 2; plus strand). Cytogenetic location: 13q13.3.
Variant type: Duplication.
Coding change: c.6386dup on transcript NM_207361.6 (MANE Select); coding-DNA position 6386, one base duplicated (A; older notation c.6386dupA).
Protein change: p.Met2130fs; shifts the reading frame from methionine 2130.
Molecular consequence: frameshift variant.
Genome position (GRCh38, 1-based): chr13:38,850,044, A duplicated; the last of 2 consecutive A bases (chr13:38,850,043-38,850,044); duplicating either gives the same sequence. VCF-style (leftmost placement, unchanged base first): chr13-38850042-T-TA. GRCh37 (hg19) VCF-style: chr13-39424179-T-TA.
Other names: short protein forms M2130fs.
Identifiers: ClinVar variation 1408187 (VCV001408187.6), dbSNP rs2137910357, ClinGen allele CA2573149630.